The following is an entry in ClinVar:

NM_175914.5(HNF4A):c.353G>A (p.Arg118Gln)

Gene: HNF4A (hepatocyte nuclear factor 4 alpha; plus strand). Cytogenetic location: 20q13.12.
Variant type: single nucleotide variant.
Coding change: c.353G>A on transcript NM_175914.5 (MANE Select); coding-DNA position 353, G replaced by A.
Protein change: p.Arg118Gln; replaces arginine 118 with glutamine.
Molecular consequence: missense variant.
Genome position (GRCh38, 1-based): chr20:44,413,727, G>A. VCF-style: chr20-44413727-G-A. GRCh37 (hg19) VCF-style: chr20-43042367-G-A.
Other names: c.419G>A, p.Arg140Gln (NM_000457.6, NM_178849.3, NM_178850.3); c.353G>A, p.Arg118Gln (NM_001030003.3, NM_001030004.3); c.398G>A, p.Arg133Gln (NM_001258355.2); c.344G>A, p.Arg115Gln (NM_001287182.2, NM_001287183.2, NM_001287184.2); short protein forms R115Q, R118Q, R133Q, R140Q.
Identifiers: ClinVar variation 1098751 (VCV001098751.9), dbSNP rs764196059, ClinGen allele CA9870232.

ClinVar aggregate classification (germline): Conflicting classifications of pathogenicity. Review status: criteria provided, conflicting classifications (1 of 4 stars). 5 submissions from 5 submitters: Uncertain significance (1); Likely benign (2). 2 of the submissions do not count toward it. Last evaluated 2025-07-15.

Conditions:
Maturity-onset diabetes of the young type 1. Also called: MODY type 1; Diabetes mellitus MODY type 1; MODY HNF4A related; HNF4A-Related Maturity-Onset Diabetes of the Young Type 1; MILD JUVENILE DIABETES MELLITUS; MODY, type I. Identifiers: Orphanet 552, MedGen C1852093, MONDO:0007452, OMIM 125850. Disease mechanism: loss of function.
Type 2 diabetes mellitus. Also called: Type II diabetes mellitus. Identifiers: MedGen C0011860, MeSH D003924, MONDO:0005148, OMIM 125853, HP:0005978.
Fanconi renotubular syndrome 4 with maturity-onset diabetes of the young (FRTS4). Also called: FRTS4 WITH MODY. Identifiers: Orphanet 93111, MedGen C4014962, MONDO:0014458, OMIM 616026.

Allele frequency attached by ClinVar (database versions not stated): ExAC 0.00004; gnomAD exomes 0.00005; TOPMed 0.00005; gnomAD 0.00006.

Submissions (5):

Women's Health and Genetics/Laboratory Corporation of America, LabCorp
Classification: Likely benign. Last evaluated: 2025-07-15. Review status: criteria provided, single submitter. Criteria: LabCorp Variant Classification Summary - May 2015. Collection method: clinical testing. Allele origin: germline.
Comment: Variant summary: HNF4A c.353G>A (p.Arg118Gln) results in a conservative amino acid change in the encoded protein sequence. Algorithms developed to predict the effect of missense changes on protein structure and function are either unavailable or do not agree on the potential impact of this missense change. The variant allele was found at a frequency of 4.8e-05 in 251012 control chromosomes. The observed variant frequency is approximately 15.3 fold of the estimated maximal expected allele frequency for a pathogenic variant in HNF4A causing Maturity Onset Diabetes Of The Young 1/Neonatal Diabetes Mellitus phenotype (3.1e-06). c.353G>A has been reported in the literature in individuals undergoing testing for testing for pancreatic beta cell disorders or testing to identify the genetic determinants of dyslipidemia and metabolic disorders (Bennett_2015, Dron_2020). These report(s) do not provide unequivocal conclusions about association of the variant with Maturity Onset Diabetes Of The Young 1/Neonatal Diabetes Mellitus. To our knowledge, no experimental evidence demonstrating an impact on protein function has been reported. The following publications have been ascertained in the context of this evaluation (PMID: 25555642, 32041611). ClinVar contains an entry for this variant (Variation ID: 1098751). Based on the evidence outlined above, the variant was classified as likely benign.

Fulgent Genetics
Classification: Likely benign for Maturity-onset diabetes of the young type 1; Type 2 diabetes mellitus; Fanconi renotubular syndrome 4 with maturity-onset diabetes of the young. Last evaluated: 2024-06-11. Review status: criteria provided, single submitter. Criteria: ACMG Guidelines, 2015. Collection method: clinical testing. Allele origin: germline.

Labcorp Genetics (formerly Invitae), Labcorp
Classification: Uncertain significance. Last evaluated: 2024-02-14. Review status: criteria provided, single submitter. Criteria: Invitae Variant Classification Sherloc (09022015). Collection method: clinical testing. Allele origin: germline.
Comment: This sequence change replaces arginine, which is basic and polar, with glutamine, which is neutral and polar, at codon 118 of the HNF4A protein (p.Arg118Gln). This variant is present in population databases (rs764196059, gnomAD 0.009%). This missense change has been observed in individual(s) with clinical features of maturity onset diabetes of the young (PMID: 25555642, 31291970; Invitae). ClinVar contains an entry for this variant (Variation ID: 1098751). Advanced modeling of protein sequence and biophysical properties (such as structural, functional, and spatial information, amino acid conservation, physicochemical variation, residue mobility, and thermodynamic stability) has been performed at Invitae for this missense variant, however the output from this modeling did not meet the statistical confidence thresholds required to predict the impact of this variant on HNF4A protein function. In summary, the available evidence is currently insufficient to determine the role of this variant in disease. Therefore, it has been classified as a Variant of Uncertain Significance.

Joint Genome Diagnostic Labs from Nijmegen and Maastricht, Radboudumc and MUMC+
Classification: Uncertain significance. Review status: no assertion criteria provided. Collection method: clinical testing. Allele origin: germline. Affected: yes. Study: VKGL Data-share Consensus. Not counted in ClinVar's aggregate classification.

Laboratory of Diagnostic Genome Analysis, Leiden University Medical Center (LUMC)
Classification: Uncertain significance. Review status: no assertion criteria provided. Collection method: clinical testing. Allele origin: germline. Affected: yes. Study: VKGL Data-share Consensus. Not counted in ClinVar's aggregate classification.

Literature cited by the submitters: PubMed 25555642 (cited by Women's Health and Genetics/Laboratory Corporation of America, LabCorp and Labcorp Genetics (formerly Invitae), Labcorp); PubMed 32041611 (cited by Women's Health and Genetics/Laboratory Corporation of America, LabCorp); PubMed 31291970 (cited by Labcorp Genetics (formerly Invitae), Labcorp).